The following is an entry in ClinVar:

ClinVar aggregate classification (germline): Uncertain significance (1 of 4 stars; one submission).

Conditions:
Primary ciliary dyskinesia. Also called: Ciliary dyskinesia. Identifiers: Orphanet 244, MedGen C0008780, MONDO:0016575, HP:0012265.

Submission:

Labcorp Genetics (formerly Invitae), Labcorp
Classification: Uncertain significance for Primary ciliary dyskinesia. Last evaluated: 2021-04-02. Review status: criteria provided, single submitter. Criteria: Invitae Variant Classification Sherloc (09022015). Collection method: clinical testing. Allele origin: germline.
Comment: In summary, the available evidence is currently insufficient to determine the role of this variant in disease. Therefore, it has been classified as a Variant of Uncertain Significance. This variant has not been reported in the literature in individuals with RSPH4A-related conditions. A copy number gain of the genomic region encompassing the full coding sequence of the RSPH4A gene has been identified. The boundaries of this event are unknown as they extend beyond the assayed region for this gene and therefore may encompass additional genes. As the precise location of this event is unknown, it may be in tandem or it may be located elsewhere in the genome.

NC_000006.11:g.(?_116937787)_(117252669_?)dup

Genes: FAM162B (family with sequence similarity 162 member B; minus strand), GPRC6A (G protein-coupled receptor class C group 6 member A; minus strand), KPNA5 (karyopherin subunit alpha 5; plus strand), RFX6 (regulatory factor X6; plus strand), RSPH4A (radial spoke head component 4A; plus strand) and 1 more. Cytogenetic location: 6q22.1.
Variant type: Duplication.
Identifiers: ClinVar variation 1409992 (VCV001409992.12).